The following is an entry in ClinVar:

ClinVar aggregate classification (germline): Benign. Review status: criteria provided, multiple submitters, no conflicts (2 of 4 stars). 2 submissions from 2 submitters: Benign (2). Last evaluated 2018-06-14.

Allele frequency attached by ClinVar (database versions not stated): gnomAD exomes 0.00224; gnomAD 0.02206 and 0.02346; TOPMed 0.02444; 1000 Genomes Project 0.03015; 1000 Genomes Project 30x 0.03186.
gnomAD v4.1: 6,154 of 1,357,198 alleles (0.45%); highest among the groups gnomAD compares: African/African-American, 7.6%; 219 homozygotes.

Submissions (2):

GeneDx
Classification: Benign. Last evaluated: 2018-06-14. Review status: criteria provided, single submitter. Criteria: GeneDx Variant Classification (06012015). Collection method: clinical testing. Allele origin: germline. Affected: yes.
Comment: This variant is considered likely benign or benign based on one or more of the following criteria: it is a conservative change, it occurs at a poorly conserved position in the protein, it is predicted to be benign by multiple in silico algorithms, and/or has population frequency not consistent with disease.

Breakthrough Genomics
Classification: Benign. Review status: criteria provided, single submitter. Criteria: ACMG Guidelines, 2015. Collection method: not provided. Allele origin: germline. Inheritance: Autosomal recessive inheritance. Affected: yes.

NM_000642.3(AGL):c.2813-110C>T

Gene: AGL (amylo-alpha-1,6-glucosidase and 4-alpha-glucanotransferase; plus strand). Cytogenetic location: 1p21.2.
Variant type: single nucleotide variant.
Coding change: c.2813-110C>T on transcript NM_000642.3 (MANE Select); 110 bases into the intron before coding-DNA position 2813, C replaced by T.
Molecular consequence: intron variant.
Genome position (GRCh38, 1-based): chr1:99,891,110, C>T. VCF-style: chr1-99891110-C-T. GRCh37 (hg19) VCF-style: chr1-100356666-C-T.
Other names: c.2813-110C>T (NM_000643.3, NM_000644.3, NM_001425325.1 and 1 more transcripts); c.2765-110C>T (NM_000646.3); c.2813-131C>T (NM_001425326.1); c.2612-110C>T (NM_001425327.1); c.2609-110C>T (NM_001425328.1); c.2474-110C>T (NM_001425329.1); c.2435-110C>T (NM_001425332.1).
Identifiers: ClinVar variation 677061 (VCV000677061.2), dbSNP rs12086095, ClinGen allele CA27526082.